The following is an entry in ClinVar:

ClinVar aggregate classification (germline): Uncertain significance (1 of 4 stars; one submission).

Conditions:
Familial adenomatous polyposis 1 (FAP1). Also called: FAMILIAL ADENOMATOUS POLYPOSIS 1, ATTENUATED; POLYPOSIS, ADENOMATOUS INTESTINAL. Identifiers: MedGen C2713442, MONDO:0021056, OMIM 175100. Disease mechanism: loss of function.

Submission:

Labcorp Genetics (formerly Invitae), Labcorp
Classification: Uncertain significance for Familial adenomatous polyposis 1. Last evaluated: 2024-10-08. Review status: criteria provided, single submitter. Criteria: Invitae Variant Classification Sherloc (09022015). Collection method: clinical testing. Allele origin: germline.
Comment: This sequence change replaces serine, which is neutral and polar, with alanine, which is neutral and non-polar, at codon 2223 of the APC protein (p.Ser2223Ala). This variant is not present in population databases (gnomAD no frequency). This variant has not been reported in the literature in individuals affected with APC-related conditions. Invitae Evidence Modeling of protein sequence and biophysical properties (such as structural, functional, and spatial information, amino acid conservation, physicochemical variation, residue mobility, and thermodynamic stability) indicates that this missense variant is not expected to disrupt APC protein function with a negative predictive value of 95%. In summary, the available evidence is currently insufficient to determine the role of this variant in disease. Therefore, it has been classified as a Variant of Uncertain Significance.

NM_000038.6(APC):c.6667T>G (p.Ser2223Ala)

Gene: APC (APC regulator of Wnt signaling pathway; plus strand). Cytogenetic location: 5q22.2.
Variant type: single nucleotide variant.
Coding change: c.6667T>G on transcript NM_000038.6 (MANE Select); coding-DNA position 6667, T replaced by G.
Protein change: p.Ser2223Ala; replaces serine 2223 with alanine.
Molecular consequence: missense variant. On other transcripts: non-coding transcript variant (2).
Genome position (GRCh38, 1-based): chr5:112,842,261, T>G. VCF-style: chr5-112842261-T-G. GRCh37 (hg19) VCF-style: chr5-112177958-T-G.
Other names: c.6667T>G, p.Ser2223Ala (NM_001127510.3, NM_001354895.2, NM_001407450.1); c.6613T>G, p.Ser2205Ala (NM_001127511.3); c.6721T>G, p.Ser2241Ala (NM_001354896.2, NM_001407447.1, NM_001407448.1 and 1 more transcripts); c.6697T>G, p.Ser2233Ala (NM_001354897.2); c.6592T>G, p.Ser2198Ala (NM_001354898.2); c.6583T>G, p.Ser2195Ala (NM_001354899.2); c.6544T>G, p.Ser2182Ala (NM_001354900.2); c.6490T>G, p.Ser2164Ala (NM_001354901.2, NM_001407453.1); and 11 more; short protein forms S2140A, S2233A, S2241A, S1940A, S2094A, S2097A, S2164A, S2198A.
Identifiers: ClinVar variation 2818669 (VCV002818669.3), dbSNP rs2149970222, ClinGen allele CA16035915.